The following is an entry in ClinVar:

NM_001201543.2(FAM161A):c.625G>A (p.Glu209Lys)

Gene: FAM161A (FAM161 centrosomal protein A; minus strand). Cytogenetic location: 2p15.
Variant type: single nucleotide variant.
Coding change: c.625G>A on transcript NM_001201543.2 (MANE Select); coding-DNA position 625, G replaced by A.
Protein change: p.Glu209Lys; replaces glutamic acid 209 with lysine.
Molecular consequence: missense variant. On other transcripts: non-coding transcript variant (1).
Genome position (GRCh38, 1-based): chr2:61,840,379, C>T on the plus strand (G>A on the coding strand, the complement: FAM161A is on the minus strand). VCF-style: chr2-61840379-C-T. GRCh37 (hg19) VCF-style: chr2-62067514-C-T.
Other names: c.625G>A (NM_001201543.1); c.625G>A, p.Glu209Lys (NM_032180.3); short protein forms E209K.
Identifiers: ClinVar variation 1485895 (VCV001485895.9), dbSNP rs760408265, ClinGen allele CA1679314.

ClinVar aggregate classification (germline): Uncertain significance. Review status: criteria provided, multiple submitters, no conflicts (2 of 4 stars). 2 submissions from 2 submitters: Uncertain significance (2). Last evaluated 2023-12-22.

Conditions:
Inborn genetic diseases. Identifiers: MedGen C0950123, MeSH D030342.

Allele frequency attached by ClinVar (database versions not stated): gnomAD exomes below 0.00001 and 0.00001; ExAC 0.00001; gnomAD 0.00001.
gnomAD v4.1: 11 of 1,614,012 alleles (0.00068%); highest among the groups gnomAD compares: Non-Finnish European, 0.00093%; no homozygotes.

Submissions (2):

Ambry Genetics
Classification: Uncertain significance for Inborn genetic diseases. Last evaluated: 2023-12-22. Review status: criteria provided, single submitter. Criteria: Ambry Variant Classification Scheme 2023. Collection method: clinical testing. Allele origin: germline.

Labcorp Genetics (formerly Invitae), Labcorp
Classification: Uncertain significance. Last evaluated: 2021-05-08. Review status: criteria provided, single submitter. Criteria: Invitae Variant Classification Sherloc (09022015). Collection method: clinical testing. Allele origin: germline.
Comment: This variant is present in population databases (rs760408265, ExAC 0.001%). This sequence change replaces glutamic acid with lysine at codon 209 of the FAM161A protein (p.Glu209Lys). The glutamic acid residue is highly conserved and there is a small physicochemical difference between glutamic acid and lysine. This variant has not been reported in the literature in individuals with FAM161A-related conditions. Algorithms developed to predict the effect of missense changes on protein structure and function output the following: SIFT: "Deleterious"; PolyPhen-2: "Benign"; Align-GVGD: "Class C0". The lysine amino acid residue is found in multiple mammalian species, suggesting that this missense change does not adversely affect protein function. These predictions have not been confirmed by published functional studies and their clinical significance is uncertain. In summary, the available evidence is currently insufficient to determine the role of this variant in disease. Therefore, it has been classified as a Variant of Uncertain Significance.